The following is an entry in ClinVar:

NM_001111125.3(IQSEC2):c.1927A>C (p.Ile643Leu)

Gene: IQSEC2 (IQ motif and Sec7 domain ArfGEF 2; minus strand). Cytogenetic location: Xp11.22.
Variant type: single nucleotide variant.
Coding change: c.1927A>C on transcript NM_001111125.3 (MANE Select); coding-DNA position 1927, A replaced by C.
Protein change: p.Ile643Leu; replaces isoleucine 643 with leucine.
Molecular consequence: missense variant.
Genome position (GRCh38, 1-based): chrX:53,250,649, T>G on the plus strand (A>C on the coding strand, the complement: IQSEC2 is on the minus strand). VCF-style: chrX-53250649-T-G. GRCh37 (hg19) VCF-style: chrX-53279831-T-G.
Other names: c.1927A>C, p.Ile643Leu (NM_001410736.1); c.1312A>C, p.Ile438Leu (NM_015075.2); short protein forms I438L, I643L.
Identifiers: ClinVar variation 1712212 (VCV001712212.2), dbSNP rs2519801866, ClinGen allele CA413162814.
Genomic context (GRCh38, chrX:53,250,649, plus strand): 5'-GCAGGGGCCCTGGTGGGGCTGGGGCTGGGCCTTCAGGGGCTGGGTAGTGGCGGTGTGGGA[T>G]CGGGGCCCTGCCTGGTGGCCCCTTGTGCTTCAGGGTCCCATGGGGGCTGCAGCCATCAGC-3'
Protein context (NP_001104595.1, residues 633-653): KHKGPPGRAP[Ile643Leu]PHRHYPAPEG

ClinVar aggregate classification (germline): Uncertain significance (1 of 4 stars; one submission).

Submission:

GeneDx
Classification: Uncertain significance. Last evaluated: 2022-04-18. Review status: criteria provided, single submitter. Criteria: GeneDx Variant Classification Process June 2021. Collection method: clinical testing. Allele origin: germline. Affected: yes.
Comment: Not observed at significant frequency in large population cohorts (gnomAD); In silico analysis supports that this missense variant does not alter protein structure/function; Has not been previously published as pathogenic or benign to our knowledge